The following is an entry in ClinVar:

NM_000520.6(HEXA):c.902T>G (p.Met301Arg)

Gene: HEXA (hexosaminidase subunit alpha; minus strand). Cytogenetic location: 15q23.
Variant type: single nucleotide variant.
Coding change: c.902T>G on transcript NM_000520.6 (MANE Select); coding-DNA position 902, T replaced by G.
Protein change: p.Met301Arg; replaces methionine 301 with arginine.
Molecular consequence: missense variant. On other transcripts: non-coding transcript variant (1).
Genome position (GRCh38, 1-based): chr15:72,349,163, A>C on the plus strand (T>G on the coding strand, the complement: HEXA is on the minus strand). VCF-style: chr15-72349163-A-C. GRCh37 (hg19) VCF-style: chr15-72641504-A-C.
Other names: c.935T>G, p.Met312Arg (NM_001318825.2); short protein forms M301R, M312R.
Identifiers: ClinVar variation 3933 (VCV000003933.180), dbSNP rs121907977, ClinGen allele CA252931.

ClinVar aggregate classification (germline): Conflicting classifications of pathogenicity. Review status: criteria provided, conflicting classifications (1 of 4 stars). 8 submissions from 8 submitters: Pathogenic (2); Likely pathogenic (4); Uncertain significance (1). 1 of the submissions does not count toward it. Last evaluated 2025-09-26.

Conditions:
Tay-Sachs disease, variant AB. Also called: Gm2-gangliosidosis, ab variant; GM2 Activator Deficiency. Identifiers: Orphanet 309246, MedGen C0268275, MONDO:0010099, OMIM 272750.
Tay-Sachs disease (TSD). Also called: HEXA DEFICIENCY; Hexosaminidase A Deficiency; HEXA Disorders; GM2 gangliosidosis, type 1; Hexosaminidase alpha-subunit deficiency (variant B); Sphingolipidosis, Tay-Sachs. Identifiers: Orphanet 845, MedGen C0039373, MONDO:0010100, OMIM 272800.

Allele frequency attached by ClinVar (database versions not stated): gnomAD below 0.00001 and 0.00001; gnomAD exomes 0.00001 and 0.00002; ExAC 0.00002.
gnomAD v4.1: 19 of 1,613,758 alleles (0.0012%); highest among the groups gnomAD compares: South Asian, 0.019%; no homozygotes.

Submissions (8):

Myriad Genetics, Inc.
Classification: Likely pathogenic for Tay-Sachs disease. Last evaluated: 2025-09-26. Review status: criteria provided, single submitter. Criteria: Myriad Autosomal Dominant, Autosomal Recessive and X-Linked Classification Criteria (2023). Collection method: clinical testing. Allele origin: unknown.
Comment: NM_000520.4(HEXA):c.902T>G(M301R) is a missense variant classified as likely pathogenic in the context of hexosaminidase A deficiency. M301R has been observed in cases with relevant disease (PMID: 8490625, 33083013, 35936646, 38730490). Relevant functional assessments of this variant are not available in the literature. Internal structural analysis of the variant is supportive of pathogenicity. M301R has been observed in referenced population frequency databases. In summary, NM_000520.4(HEXA):c.902T>G(M301R) is a missense variant that has internal structural support for pathogenicity and has been observed more frequently in cases with the relevant disease than in healthy populations. Please note: this variant was assessed in the context of healthy population screening.

Labcorp Genetics (formerly Invitae), Labcorp
Classification: Pathogenic for Tay-Sachs disease. Last evaluated: 2025-07-11. Review status: criteria provided, single submitter. Criteria: Invitae Variant Classification Sherloc (09022015). Collection method: clinical testing. Allele origin: germline.
Comment: This sequence change replaces methionine, which is neutral and non-polar, with arginine, which is basic and polar, at codon 301 of the HEXA protein (p.Met301Arg). This variant is present in population databases (rs121907977, gnomAD 0.01%). This missense change has been observed in individual(s) with Tay-Sachs disease (PMID: 8490625, 33083013). ClinVar contains an entry for this variant (Variation ID: 3933). Invitae Evidence Modeling of protein sequence and biophysical properties (such as structural, functional, and spatial information, amino acid conservation, physicochemical variation, residue mobility, and thermodynamic stability) indicates that this missense variant is expected to disrupt HEXA protein function with a positive predictive value of 95%. For these reasons, this variant has been classified as Pathogenic.

Natera, Inc.
Classification: Likely pathogenic for Tay-Sachs disease. Last evaluated: 2024-08-28. Review status: criteria provided, single submitter. Criteria: Natera Variant Classification Schema (03/2026). Collection method: clinical testing. Allele origin: germline.
Comment: The c.902T>G variant in HEXA is a missense variant predicted to cause substitution of methionine to arginine at amino acid 301. This variant is rare in the general population with a frequency below the threshold expected for the associated phenotype(s). This variant has been observed in one or more individuals affected with the associated recessive disease, as either homozygous or compound heterozygous with a second variant (PMID: 33083013, 35936646, 8044648). Computational prediction algorithms indicate this variant is likely to affect gene or protein function. Given the available evidence, this variant is classified as Likely Pathogenic.

Women's Health and Genetics/Laboratory Corporation of America, LabCorp
Classification: Likely pathogenic for Tay-Sachs disease. Last evaluated: 2023-05-03. Review status: criteria provided, single submitter. Criteria: LabCorp Variant Classification Summary - May 2015. Collection method: clinical testing. Allele origin: germline.
Comment: Variant summary: HEXA c.902T>G (p.Met301Arg) results in a non-conservative amino acid change located in the Glycoside hydrolase family 20, catalytic domain (IPR015883) of the encoded protein sequence. Five of five in-silico tools predict a damaging effect of the variant on protein function. The variant allele was found at a frequency of 1.6e-05 in 251438 control chromosomes. c.902T>G has been reported in the literature in homozygous and compound heterozygous individuals affected with Tay-Sachs Disease (Akil_1993, Cheema_2020). To our knowledge, no experimental evidence demonstrating an impact on protein function has been reported. The following publications have been ascertained in the context of this evaluation (PMID: 8490625, 33083013). Three clinical diagnostic laboratories have submitted clinical-significance assessments for this variant to ClinVar after 2014 and classified as Pathogenic (n=1), Likely Pathogenic (n=1) and VUS (n=1). Based on the evidence outlined above, the variant was classified as likely pathogenic.

MGZ Medical Genetics Center
Classification: Uncertain significance for Tay-Sachs disease. Last evaluated: 2022-03-30. Review status: criteria provided, single submitter. Criteria: ACMG Guidelines, 2015. Collection method: clinical testing. Allele origin: germline. Affected: yes. Observed: 1 variant allele.
Comment: ACMG criteria applied: PM1, PM2_SUP, PP2, PP3

Foundation for Research in Genetics and Endocrinology, FRIGE's Institute of Human Genetics
Classification: Likely pathogenic for Tay-Sachs disease. Last evaluated: 2020-02-21. Review status: criteria provided, single submitter. Criteria: ACMG Guidelines, 2015. Collection method: clinical testing. Allele origin: germline. Inheritance: Autosomal recessive inheritance. Affected: yes. Observed: 1 compound heterozygote.
Comment: A heterozygous missense variation in exon 8 of the HEXA gene that results in the amino acid substitution of Arginine for Methionine at codon 301 was detected. The observed variant c.902T>G (p.Met301Arg) has not been reported in the 1000 genomes and ExAC databases. The in silico prediction of the variant is possibly damaging by PolyPhen-2 (HumDiv) and damaging by MutationTaster2. The reference codon is conserved across species. In summary, the variant meets our criteria to be classified as likely pathogenic.

CENTOGENE GmbH and LLC - Guiding Precision Medicine
Classification: Pathogenic for Tay-Sachs disease; Tay-Sachs disease, variant AB. Review status: criteria provided, single submitter. Criteria: ACMG Guidelines, 2015. Collection method: clinical testing. Allele origin: germline. Affected: yes.

OMIM
Classification: Pathogenic for TAY-SACHS DISEASE. Last evaluated: 1993-01-01. Review status: no assertion criteria provided. Collection method: literature only. Allele origin: germline. Not counted in ClinVar's aggregate classification.

Literature cited by the submitters: PubMed 33083013 (cited by 4 submitters); PubMed 35936646 (cited by Myriad Genetics, Inc. and Natera, Inc.); PubMed 38730490 (cited by Myriad Genetics, Inc.); PubMed 8490625 (cited by 4 submitters); PubMed 8044648 (cited by Natera, Inc.).